The following is an entry in ClinVar:

NM_002557.4(OVGP1):c.1560G>A (p.Gly520=)

Gene: OVGP1 (oviductal glycoprotein 1; minus strand). Cytogenetic location: 1p13.2.
Variant type: single nucleotide variant.
Coding change: c.1560G>A on transcript NM_002557.4 (MANE Select); coding-DNA position 1560, G replaced by A.
Protein change: p.Gly520=; no amino-acid change (glycine 520 retained).
Molecular consequence: synonymous variant.
Genome position (GRCh38, 1-based): chr1:111,414,941, C>T on the plus strand (G>A on the coding strand, the complement: OVGP1 is on the minus strand). VCF-style: chr1-111414941-C-T. GRCh37 (hg19) VCF-style: chr1-111957563-C-T.
Identifiers: ClinVar variation 4533450 (VCV004533450.6).
Genomic context (GRCh38, chr1:111,414,941, plus strand): 5'-CACAGACTGATGACTCACAGGGGTCACAGACTGATGACCCACAGGGGTCAGGGTCTTTTC[C>T]CCAGGGGTCACAGACTGATAACCCACAGAGGTCAGGGTCTTCTGTCCAGTGGTCACAGAT-3'
Protein context (NP_002548.3, residues 510-530): TSVGYQSVTP[Gly520=]EKTLTPVGHQ

ClinVar aggregate classification (germline): Likely benign (1 of 4 stars; one submission).

Submission:

CeGaT Center for Human Genetics Tuebingen
Classification: Likely benign. Last evaluated: 2025-10-01. Review status: criteria provided, single submitter. Criteria: CeGaT Center For Human Genetics Tuebingen Variant Classification Criteria Version 2. Collection method: clinical testing. Allele origin: germline. Affected: yes. Observed: 1 variant allele.
Comment: OVGP1: BP4, BP7